The following is an entry in ClinVar:

ClinVar aggregate classification (germline): Uncertain significance. Review status: criteria provided, multiple submitters, no conflicts (2 of 4 stars). 2 submissions from 2 submitters: Uncertain significance (2). Last evaluated 2024-04-03.

Conditions:
Inborn genetic diseases. Identifiers: MedGen C0950123, MeSH D030342.

Allele frequency attached by ClinVar (database versions not stated): gnomAD exomes 0.00005; ExAC 0.00008; gnomAD 0.00014; 1000 Genomes Project 30x 0.00016; TOPMed 0.00017; 1000 Genomes Project 0.00020; ESP Exome Variant Server 0.00038.
gnomAD v4.1: 44 of 1,614,134 alleles (0.0027%); highest among the groups gnomAD compares: African/African-American, 0.039%; no homozygotes.

Submissions (2):

Labcorp Genetics (formerly Invitae), Labcorp
Classification: Uncertain significance. Last evaluated: 2024-04-03. Review status: criteria provided, single submitter. Criteria: Invitae Variant Classification Sherloc (09022015). Collection method: clinical testing. Allele origin: germline.
Comment: This sequence change replaces arginine, which is basic and polar, with glutamine, which is neutral and polar, at codon 5 of the TREM2 protein (p.Arg5Gln). This variant is present in population databases (rs146485698, gnomAD 0.05%). This variant has not been reported in the literature in individuals affected with TREM2-related conditions. ClinVar contains an entry for this variant (Variation ID: 1387819). Algorithms developed to predict the effect of missense changes on protein structure and function output the following: SIFT: "Not Available"; PolyPhen-2: "Benign"; Align-GVGD: "Not Available". The glutamine amino acid residue is found in multiple mammalian species, which suggests that this missense change does not adversely affect protein function. In summary, the available evidence is currently insufficient to determine the role of this variant in disease. Therefore, it has been classified as a Variant of Uncertain Significance.

Ambry Genetics
Classification: Uncertain significance for Inborn genetic diseases. Last evaluated: 2021-09-24. Review status: criteria provided, single submitter. Criteria: Ambry Variant Classification Scheme 2023. Collection method: clinical testing. Allele origin: germline.

NM_018965.4(TREM2):c.14G>A (p.Arg5Gln)

Gene: TREM2 (triggering receptor expressed on myeloid cells 2; minus strand). Cytogenetic location: 6p21.1.
Variant type: single nucleotide variant.
Coding change: c.14G>A on transcript NM_018965.4 (MANE Select); coding-DNA position 14, G replaced by A.
Protein change: p.Arg5Gln; replaces arginine 5 with glutamine.
Molecular consequence: missense variant.
Genome position (GRCh38, 1-based): chr6:41,163,069, C>T on the plus strand (G>A on the coding strand, the complement: TREM2 is on the minus strand). VCF-style: chr6-41163069-C-T. GRCh37 (hg19) VCF-style: chr6-41130807-C-T.
Other names: c.14G>A, p.Arg5Gln (NM_001271821.2); c.14G>A (NM_018965.2); short protein forms R5Q.
Identifiers: ClinVar variation 1387819 (VCV001387819.7), dbSNP rs146485698, ClinGen allele CA3799008.